The following is an entry in ClinVar:

ClinVar aggregate classification (germline): Benign/Likely benign. Review status: criteria provided, multiple submitters, no conflicts (2 of 4 stars). 2 submissions from 2 submitters: Benign (1); Likely benign (1). Last evaluated 2026-01-26.

Conditions:
Hereditary sensory and autonomic neuropathy type 6. Also called: HSAN VI; Neuropathy, hereditary sensory and autonomic, type VI. Identifiers: Orphanet 314381, MedGen C3539003, MONDO:0013839, OMIM 614653.
Epidermolysis bullosa simplex 3, localized or generalized intermediate, with BP230 deficiency (EBS3). Also called: Epidermolysis bullosa simplex due to BP230 deficiency; Epidermolysis bullosa simplex, autosomal recessive 2. Identifiers: Orphanet 412181, MedGen C3809470, MONDO:0014180, OMIM 615425.

Allele frequency attached by ClinVar (database versions not stated): gnomAD 0.00021; ExAC 0.00036; TOPMed 0.00050; gnomAD exomes 0.00051; 1000 Genomes Project 30x 0.00094; 1000 Genomes Project 0.00120.
gnomAD v4.1: 264 of 1,613,828 alleles (0.016%); highest among the groups gnomAD compares: East Asian, 0.55%; 1 homozygote.

Submissions (2):

Labcorp Genetics (formerly Invitae), Labcorp
Classification: Benign for Epidermolysis bullosa simplex 3, localized or generalized intermediate, with BP230 deficiency; Hereditary sensory and autonomic neuropathy type 6. Last evaluated: 2026-01-26. Review status: criteria provided, single submitter. Criteria: Invitae Variant Classification Sherloc (09022015). Collection method: clinical testing. Allele origin: germline.

GeneDx
Classification: Likely benign. Last evaluated: 2016-10-31. Review status: criteria provided, single submitter. Criteria: GeneDx Variant Classification (06012015). Collection method: clinical testing. Allele origin: germline. Affected: yes.
Comment: This variant is considered likely benign or benign based on one or more of the following criteria: it is a conservative change, it occurs at a poorly conserved position in the protein, it is predicted to be benign by multiple in silico algorithms, and/or has population frequency not consistent with disease.

NM_001374736.1(DST):c.2733A>T (p.Thr911=)

Gene: DST (dystonin; minus strand). Cytogenetic location: 6p12.1.
Variant type: single nucleotide variant.
Coding change: c.2733A>T on transcript NM_001374736.1 (MANE Select); coding-DNA position 2733, A replaced by T.
Protein change: p.Thr911=; no amino-acid change (threonine 911 retained).
Molecular consequence: synonymous variant.
Genome position (GRCh38, 1-based): chr6:56,639,576, T>A on the plus strand (A>T on the coding strand, the complement: DST is on the minus strand). VCF-style: chr6-56639576-T-A. GRCh37 (hg19) VCF-style: chr6-56504374-T-A.
Other names: c.2100A>T, p.Thr700= (NM_001374729.1, NM_001374730.1, NM_001386100.1 and 1 more transcripts); c.2760A>T, p.Thr920= (NM_001374734.1); c.1122A>T, p.Thr374= (NM_001723.7, NM_015548.5); c.2634A>T, p.Thr878= (NM_001144769.5); c.2220A>T, p.Thr740= (NM_001144770.2); c.2733A>T, p.Thr911= (NM_001374722.1).
Identifiers: ClinVar variation 390190 (VCV000390190.11), dbSNP rs200851963, ClinGen allele CA3871333.